The following is an entry in ClinVar:

NM_001374736.1(DST):c.3631A>G (p.Met1211Val)

Gene: DST (dystonin; minus strand). Cytogenetic location: 6p12.1.
Variant type: single nucleotide variant.
Coding change: c.3631A>G on transcript NM_001374736.1 (MANE Select); coding-DNA position 3631, A replaced by G.
Protein change: p.Met1211Val; replaces methionine 1211 with valine.
Molecular consequence: missense variant.
Genome position (GRCh38, 1-based): chr6:56,633,028, T>C on the plus strand (A>G on the coding strand, the complement: DST is on the minus strand). VCF-style: chr6-56633028-T-C. GRCh37 (hg19) VCF-style: chr6-56497826-T-C.
Other names: c.3532A>G, p.Met1178Val (NM_001144769.5); c.3118A>G, p.Met1040Val (NM_001144770.2); c.3631A>G, p.Met1211Val (NM_001374722.1); c.2998A>G, p.Met1000Val (NM_001374729.1, NM_001374730.1, NM_001386100.1 and 1 more transcripts); c.3658A>G, p.Met1220Val (NM_001374734.1); c.2020A>G, p.Met674Val (NM_001723.7, NM_015548.5); short protein forms M1000V, M1211V, M674V, M1040V, M1178V, M1220V.
Identifiers: ClinVar variation 842252 (VCV000842252.8), dbSNP rs779677898, ClinGen allele CA3871098.

ClinVar aggregate classification (germline): Uncertain significance. Review status: criteria provided, multiple submitters, no conflicts (2 of 4 stars). 2 submissions from 2 submitters: Uncertain significance (2). Last evaluated 2022-03-29.

Conditions:
Inborn genetic diseases. Identifiers: MedGen C0950123, MeSH D030342.
Epidermolysis bullosa simplex 3, localized or generalized intermediate, with BP230 deficiency (EBS3). Also called: Epidermolysis bullosa simplex due to BP230 deficiency; Epidermolysis bullosa simplex, autosomal recessive 2. Identifiers: Orphanet 412181, MedGen C3809470, MONDO:0014180, OMIM 615425.
Hereditary sensory and autonomic neuropathy type 6. Also called: HSAN VI; Neuropathy, hereditary sensory and autonomic, type VI. Identifiers: Orphanet 314381, MedGen C3539003, MONDO:0013839, OMIM 614653.

Allele frequency attached by ClinVar (database versions not stated): ExAC 0.00002; gnomAD 0.00003; gnomAD exomes 0.00003; TOPMed 0.00005.

Submissions (2):

Ambry Genetics
Classification: Uncertain significance for Inborn genetic diseases. Last evaluated: 2022-03-29. Review status: criteria provided, single submitter. Criteria: Ambry Variant Classification Scheme 2023. Collection method: clinical testing. Allele origin: germline.
Comment: The p.M1178V variant (also known as c.3532A>G), located in coding exon 27 of the DST gene, results from an A to G substitution at nucleotide position 3532. The methionine at codon 1178 is replaced by valine, an amino acid with highly similar properties. This amino acid position is well conserved in available vertebrate species. In addition, the in silico prediction for this alteration is inconclusive. Since supporting evidence is limited at this time, the clinical significance of this alteration remains unclear.

Labcorp Genetics (formerly Invitae), Labcorp
Classification: Uncertain significance for Epidermolysis bullosa simplex 3, localized or generalized intermediate, with BP230 deficiency; Hereditary sensory and autonomic neuropathy type 6. Last evaluated: 2022-02-09. Review status: criteria provided, single submitter. Criteria: Invitae Variant Classification Sherloc (09022015). Collection method: clinical testing. Allele origin: germline.
Comment: This sequence change replaces methionine, which is neutral and non-polar, with valine, which is neutral and non-polar, at codon 674 of the DST protein (p.Met674Val). This variant is present in population databases (rs779677898, gnomAD 0.07%). This variant has not been reported in the literature in individuals affected with DST-related conditions. ClinVar contains an entry for this variant (Variation ID: 842252). Algorithms developed to predict the effect of missense changes on protein structure and function are either unavailable or do not agree on the potential impact of this missense change (SIFT: "Deleterious"; PolyPhen-2: "Possibly Damaging"; Align-GVGD: "Class C15"). In summary, the available evidence is currently insufficient to determine the role of this variant in disease. Therefore, it has been classified as a Variant of Uncertain Significance.